The following is an entry in ClinVar:

NM_024334.3(TMEM43):c.983G>A (p.Arg328Gln)

Gene: TMEM43 (transmembrane protein 43; plus strand). Cytogenetic location: 3p25.1.
Variant type: single nucleotide variant.
Coding change: c.983G>A on transcript NM_024334.3 (MANE Select); coding-DNA position 983, G replaced by A.
Protein change: p.Arg328Gln; replaces arginine 328 with glutamine.
Molecular consequence: missense variant.
Genome position (GRCh38, 1-based): chr3:14,139,280, G>A. VCF-style: chr3-14139280-G-A. GRCh37 (hg19) VCF-style: chr3-14180780-G-A.
Other names: short protein forms R328Q.
Identifiers: ClinVar variation 519523 (VCV000519523.18), dbSNP rs185611706, ClinGen allele CA056378.

ClinVar aggregate classification (germline): Conflicting classifications of pathogenicity. Review status: criteria provided, conflicting classifications (1 of 4 stars). 6 submissions from 6 submitters: Uncertain significance (3); Benign (1); Likely benign (2). Last evaluated 2025-12-28.

Conditions:
Cardiomyopathy (CMYO). Also called: Cardiomyopathies. Identifiers: Orphanet 167848, MedGen C0878544, MONDO:0004994, HP:0001638. Inheritance: Various modes of inheritance.
Arrhythmogenic right ventricular dysplasia 5. Also called: Arrhythmogenic Right Ventricular Dysplasia/Cardiomyopathy 5; ARRHYTHMOGENIC RIGHT VENTRICULAR DYSPLASIA, FAMILIAL, 5. Identifiers: MedGen C1858379, MONDO:0011459, OMIM 604400.
Cardiovascular phenotype. Identifiers: MedGen CN230736.

Allele frequency attached by ClinVar (database versions not stated): TOPMed below 0.00001; gnomAD 0.00001; ExAC 0.00002; gnomAD exomes 0.00002 and 0.00006; 1000 Genomes Project 30x 0.00016; 1000 Genomes Project 0.00020.
gnomAD v4.1: 29 of 1,613,912 alleles (0.0018%); highest among the groups gnomAD compares: Middle Eastern, 0.017%; no homozygotes.

Submissions (6):

Labcorp Genetics (formerly Invitae), Labcorp
Classification: Uncertain significance for Arrhythmogenic right ventricular dysplasia 5. Last evaluated: 2025-12-28. Review status: criteria provided, single submitter. Criteria: Invitae Variant Classification Sherloc (09022015). Collection method: clinical testing. Allele origin: germline.
Comment: This sequence change replaces arginine, which is basic and polar, with glutamine, which is neutral and polar, at codon 328 of the TMEM43 protein (p.Arg328Gln). This variant is present in population databases (rs185611706, gnomAD 0.03%), and has an allele count higher than expected for a pathogenic variant. This variant has not been reported in the literature in individuals affected with TMEM43-related conditions. ClinVar contains an entry for this variant (Variation ID: 519523). Invitae Evidence Modeling of protein sequence and biophysical properties (such as structural, functional, and spatial information, amino acid conservation, physicochemical variation, residue mobility, and thermodynamic stability) indicates that this missense variant is not expected to disrupt TMEM43 protein function with a negative predictive value of 80%. In summary, the available evidence is currently insufficient to determine the role of this variant in disease. Therefore, it has been classified as a Variant of Uncertain Significance.

Ambry Genetics
Classification: Benign for Cardiovascular phenotype. Last evaluated: 2025-11-06. Review status: criteria provided, single submitter. Criteria: Ambry Variant Classification Scheme 2023. Collection method: clinical testing. Allele origin: germline.

Color Diagnostics, LLC DBA Color Health
Classification: Uncertain significance for Cardiomyopathy. Last evaluated: 2025-06-10. Review status: criteria provided, single submitter. Criteria: ACMG Guidelines, 2015. Collection method: clinical testing. Allele origin: germline.
Comment: This missense variant replaces arginine with glutamine at codon 328 of the TMEM43 protein. Computational prediction suggests that this variant may not impact protein structure and function. To our knowledge, functional studies have not been reported for this variant. This variant has not been reported in individuals affected with TMEM43-related disorders in the literature. This variant has been identified in 14/251426 chromosomes in the general population by the Genome Aggregation Database (gnomAD). The available evidence is insufficient to determine the role of this variant in disease conclusively. Therefore, this variant is classified as a Variant of Uncertain Significance.

Molecular Diagnostic Laboratory for Inherited Cardiovascular Disease, Montreal Heart Institute
Classification: Likely benign. Last evaluated: 2025-04-09. Review status: criteria provided, single submitter. Criteria: ACMG Guidelines, 2015. Collection method: clinical testing. Allele origin: germline. Affected: no.
Comment: BS1, PB4.

All of Us Research Program, National Institutes of Health
Classification: Uncertain significance for Arrhythmogenic right ventricular dysplasia 5. Last evaluated: 2023-10-23. Review status: criteria provided, single submitter. Criteria: ACMG Guidelines, 2015. Collection method: clinical testing. Allele origin: germline. Inheritance: Autosomal dominant inheritance. Observed: 2 variant alleles, 2 heterozygotes.
Comment: This missense variant replaces arginine with glutamine at codon 328 of the TMEM43 protein. Computational prediction suggests that this variant may not impact protein structure and function (internally defined REVEL score threshold <= 0.5, PMID: 27666373). To our knowledge, functional studies have not been reported for this variant. This variant has not been reported in individuals affected with TMEM43-related disorders in the literature. This variant has been identified in 14/251426 chromosomes in the general population by the Genome Aggregation Database (gnomAD). The available evidence is insufficient to determine the role of this variant in disease conclusively. Therefore, this variant is classified as a Variant of Uncertain Significance.

This study involves interpretation of variants in research participants for the purpose of population health screening. Participant phenotype was not available at the time of variant classification. Additional details can be found in publication PMID: 35346344, PMCID: PMC8962531

CHEO Genetics Diagnostic Laboratory, Children's Hospital of Eastern Ontario
Classification: Likely benign for Cardiomyopathy. Last evaluated: 2018-03-28. Review status: criteria provided, single submitter. Criteria: ACMG Guidelines, 2015. Collection method: clinical testing. Allele origin: germline.